The following is an entry in ClinVar:

NM_003126.4(SPTA1):c.4076_4077del (p.Gly1359fs)

Gene: SPTA1 (spectrin alpha, erythrocytic 1; minus strand). Cytogenetic location: 1q23.1.
Variant type: Deletion.
Coding change: c.4076_4077del on transcript NM_003126.4 (MANE Select); coding-DNA positions 4076 to 4077, 2 bases deleted (GG; older notation c.4076_4077delGG).
Protein change: p.Gly1359fs; shifts the reading frame from glycine 1359.
Molecular consequence: frameshift variant.
Genome position (GRCh38, 1-based): chr1:158,645,305-158,645,306, CC deleted on the plus strand (GG on the coding strand, the reverse complement: SPTA1 is on the minus strand); deleting any 2 consecutive bases within chr1:158,645,305-158,645,307 gives the same sequence; the c. name uses the placement nearest the transcript's 3' end. VCF-style (leftmost placement, unchanged base first): chr1-158645304-GCC-G. GRCh37 (hg19) VCF-style: chr1-158615094-GCC-G.
Other names: short protein forms G1359fs.
Identifiers: ClinVar variation 2978322 (VCV002978322.4), dbSNP rs2525049766, ClinGen allele CA2740090402.

ClinVar aggregate classification (germline): Pathogenic/Likely pathogenic. Review status: criteria provided, multiple submitters, no conflicts (2 of 4 stars). 2 submissions from 2 submitters: Pathogenic (1); Likely pathogenic (1). Last evaluated 2024-04-26.

Submissions (2):

Revvity Omics, Revvity
Classification: Likely pathogenic. Last evaluated: 2024-04-26. Review status: criteria provided, single submitter. Criteria: ACMG Guidelines, 2015. Collection method: clinical testing. Allele origin: germline.

Labcorp Genetics (formerly Invitae), Labcorp
Classification: Pathogenic. Last evaluated: 2024-02-17. Review status: criteria provided, single submitter. Criteria: Invitae Variant Classification Sherloc (09022015). Collection method: clinical testing. Allele origin: germline.
Comment: This sequence change creates a premature translational stop signal (p.Gly1359Alafs*4) in the SPTA1 gene. It is expected to result in an absent or disrupted protein product. Loss-of-function variants in SPTA1 are known to be pathogenic (PMID: 9192783, 18815189, 31333484, 31723846, 32266426). This variant is not present in population databases (gnomAD no frequency). This variant has not been reported in the literature in individuals affected with SPTA1-related conditions. For these reasons, this variant has been classified as Pathogenic.

Literature cited by the submitters: PubMed 9192783 (cited by Labcorp Genetics (formerly Invitae), Labcorp); PubMed 18815189 (cited by Labcorp Genetics (formerly Invitae), Labcorp); PubMed 31333484 (cited by Labcorp Genetics (formerly Invitae), Labcorp); PubMed 31723846 (cited by Labcorp Genetics (formerly Invitae), Labcorp); PubMed 32266426 (cited by Labcorp Genetics (formerly Invitae), Labcorp).